The following is an entry in ClinVar:

NM_001257096.2(PAX1):c.*11C>T

Gene: PAX1 (paired box 1; plus strand). Cytogenetic location: 20p11.22.
Variant type: single nucleotide variant.
Coding change: c.*11C>T on transcript NM_001257096.2 (MANE Select); 11 bases downstream of the stop codon, C replaced by T.
Molecular consequence: 3 prime UTR variant. On other transcripts: missense variant (1).
Genome position (GRCh38, 1-based): chr20:21,714,573, C>T. VCF-style: chr20-21714573-C-T. GRCh37 (hg19) VCF-style: chr20-21695211-C-T.
Other names: c.1375C>T, p.Pro459Ser (NM_006192.5); c.1375C>T (NM_006192.3); short protein forms P459S.
Identifiers: ClinVar variation 2420144 (VCV002420144.6), dbSNP rs759082809, ClinGen allele CA9786770.

ClinVar aggregate classification (germline): Conflicting classifications of pathogenicity. Review status: criteria provided, conflicting classifications (1 of 4 stars). 2 submissions from 2 submitters: Uncertain significance (1); Likely benign (1). Last evaluated 2023-03-20.

Conditions:
Inborn genetic diseases. Identifiers: MedGen C0950123, MeSH D030342.

Allele frequency attached by ClinVar (database versions not stated): ExAC 0.00008.
gnomAD v4.1: 31 of 1,582,282 alleles (0.002%); highest among the groups gnomAD compares: South Asian, 0.0034%; no homozygotes.

Submissions (2):

Ambry Genetics
Classification: Likely benign for Inborn genetic diseases. Last evaluated: 2023-03-20. Review status: criteria provided, single submitter. Criteria: Ambry Variant Classification Scheme 2023. Collection method: clinical testing. Allele origin: germline.

Labcorp Genetics (formerly Invitae), Labcorp
Classification: Uncertain significance. Last evaluated: 2022-02-23. Review status: criteria provided, single submitter. Criteria: Invitae Variant Classification Sherloc (09022015). Collection method: clinical testing. Allele origin: germline.
Comment: This sequence change replaces proline, which is neutral and non-polar, with serine, which is neutral and polar, at codon 459 of the PAX1 protein (p.Pro459Ser). This variant is present in population databases (rs759082809, gnomAD 0.004%). This variant has not been reported in the literature in individuals affected with PAX1-related conditions. Algorithms developed to predict the effect of missense changes on protein structure and function output the following: SIFT: "Tolerated"; PolyPhen-2: "Benign"; Align-GVGD: "Class C0". The serine amino acid residue is found in multiple mammalian species, which suggests that this missense change does not adversely affect protein function. In summary, the available evidence is currently insufficient to determine the role of this variant in disease. Therefore, it has been classified as a Variant of Uncertain Significance.